The following is an entry in ClinVar:

NM_001366385.1(CARD14):c.670G>A (p.Glu224Lys)

Gene: CARD14 (caspase recruitment domain family member 14; plus strand). Cytogenetic location: 17q25.3.
Variant type: single nucleotide variant.
Coding change: c.670G>A on transcript NM_001366385.1 (MANE Select); coding-DNA position 670, G replaced by A.
Protein change: p.Glu224Lys; replaces glutamic acid 224 with lysine.
Molecular consequence: missense variant. On other transcripts: non-coding transcript variant (1).
Genome position (GRCh38, 1-based): chr17:80,184,233, G>A. VCF-style: chr17-80184233-G-A. GRCh37 (hg19) VCF-style: chr17-78158032-G-A.
Other names: c.670G>A, p.Glu224Lys (NM_001257970.1, NM_024110.4); c.670G>A (NM_024110.3); short protein forms E224K.
Identifiers: ClinVar variation 1046598 (VCV001046598.10), dbSNP rs1255334150, ClinGen allele CA401338200.

ClinVar aggregate classification (germline): Uncertain significance. Review status: criteria provided, multiple submitters, no conflicts (2 of 4 stars). 2 submissions from 2 submitters: Uncertain significance (2). Last evaluated 2025-01-04.

Conditions:
Inborn genetic diseases. Identifiers: MedGen C0950123, MeSH D030342.
Psoriasis 2. Identifiers: MedGen C1864497, MONDO:0011269, OMIM 602723.
Pityriasis rubra pilaris (PRP). Also called: Pityriasis rubra pilaris--familial type. Identifiers: Orphanet 2897, MedGen C0032027, MONDO:0100017, OMIM 173200, MONDO:0008251.

Allele frequency attached by ClinVar (database versions not stated): gnomAD exomes below 0.00001 and 0.00001; TOPMed below 0.00001; gnomAD 0.00001.
gnomAD v4.1: 5 of 1,526,204 alleles (0.00033%); highest among the groups gnomAD compares: East Asian, 0.012%; no homozygotes.

Submissions (2):

Ambry Genetics
Classification: Uncertain significance for Inborn genetic diseases. Last evaluated: 2025-01-04. Review status: criteria provided, single submitter. Criteria: Ambry Variant Classification Scheme 2023. Collection method: clinical testing. Allele origin: germline.

Labcorp Genetics (formerly Invitae), Labcorp
Classification: Uncertain significance for Pityriasis rubra pilaris; Psoriasis 2. Last evaluated: 2024-04-15. Review status: criteria provided, single submitter. Criteria: Invitae Variant Classification Sherloc (09022015). Collection method: clinical testing. Allele origin: germline.
Comment: This sequence change replaces glutamic acid, which is acidic and polar, with lysine, which is basic and polar, at codon 224 of the CARD14 protein (p.Glu224Lys). This variant is present in population databases (no rsID available, gnomAD 0.02%). This variant has not been reported in the literature in individuals affected with CARD14-related conditions. ClinVar contains an entry for this variant (Variation ID: 1046598). Advanced modeling of protein sequence and biophysical properties (such as structural, functional, and spatial information, amino acid conservation, physicochemical variation, residue mobility, and thermodynamic stability) performed at Invitae indicates that this missense variant is expected to disrupt CARD14 protein function with a positive predictive value of 80%. In summary, the available evidence is currently insufficient to determine the role of this variant in disease. Therefore, it has been classified as a Variant of Uncertain Significance.